The following is an entry in ClinVar:

NM_001370259.2(MEN1):c.1453C>T (p.Arg485Trp)

Gene: MEN1 (menin 1; minus strand). Cytogenetic location: 11q13.1.
Variant type: single nucleotide variant.
Coding change: c.1453C>T on transcript NM_001370259.2 (MANE Select); coding-DNA position 1453, C replaced by T.
Protein change: p.Arg485Trp; replaces arginine 485 with tryptophan.
Molecular consequence: missense variant.
Genome position (GRCh38, 1-based): chr11:64,804,714, G>A on the plus strand (C>T on the coding strand, the complement: MEN1 is on the minus strand). VCF-style: chr11-64804714-G-A. GRCh37 (hg19) VCF-style: chr11-64572186-G-A.
Other names: c.1468C>T, p.Arg490Trp (NM_000244.4, NM_130800.3, NM_130801.3 and 3 more transcripts); c.1579C>T, p.Arg527Trp (NM_001370251.2); c.1453C>T, p.Arg485Trp (NM_001370260.2, NM_001370261.2, NM_130799.3); c.1348C>T, p.Arg450Trp (NM_001370262.2, NM_001370263.2); short protein forms R490W, R485W, R527W, R450W.
Identifiers: ClinVar variation 457300 (VCV000457300.9), dbSNP rs1254459338, ClinGen allele CA381179244.
Genomic context (GRCh38, chr11:64,804,714, plus strand): 5'-CCAGGCCCTTGTCCAGTGCTGGCTTCTTGGGCGGCGGGGGCTCCTCTGGCTTGGACTCCC[G>A]CCGTGGGCCCCGCCGCCGGCCTTCCCGGGCTTCCTCGCCCCACGGCTCCTCGGCCTCGGC-3'
Protein context (NP_001357188.2, residues 475-495): AREGRRRGPR[Arg485Trp]ESKPEEPPPP

ClinVar aggregate classification (germline): Uncertain significance. Review status: criteria provided, multiple submitters, no conflicts (2 of 4 stars). 2 submissions from 2 submitters: Uncertain significance (2). Last evaluated 2024-04-24.

Conditions:
Hereditary cancer-predisposing syndrome. Also called: Hereditary Cancer Syndrome; Hereditary neoplastic syndrome; Tumor predisposition; Neoplastic Syndromes, Hereditary. Identifiers: Orphanet 140162, MedGen C0027672, MeSH D009386, MONDO:0015356.
Multiple endocrine neoplasia, type 1 (MEN1). Also called: MEN I; WERMER SYNDROME; Endocrine adenomatosis multiple; MEN 1; MEA I. Identifiers: Orphanet 652, MedGen C0025267, MeSH D018761, MONDO:0007540, OMIM 131100.

Submissions (2):

Labcorp Genetics (formerly Invitae), Labcorp
Classification: Uncertain significance for Multiple endocrine neoplasia, type 1. Last evaluated: 2024-04-24. Review status: criteria provided, single submitter. Criteria: Invitae Variant Classification Sherloc (09022015). Collection method: clinical testing. Allele origin: germline.
Comment: This sequence change replaces arginine, which is basic and polar, with tryptophan, which is neutral and slightly polar, at codon 485 of the MEN1 protein (p.Arg485Trp). This variant is not present in population databases (gnomAD no frequency). This variant has not been reported in the literature in individuals affected with MEN1-related conditions. ClinVar contains an entry for this variant (Variation ID: 457300). Advanced modeling of protein sequence and biophysical properties (such as structural, functional, and spatial information, amino acid conservation, physicochemical variation, residue mobility, and thermodynamic stability) performed at Invitae indicates that this missense variant is expected to disrupt MEN1 protein function with a positive predictive value of 95%. RNA analysis performed to evaluate the impact of this missense change on mRNA splicing indicates it does not significantly alter splicing (Invitae). In summary, the available evidence is currently insufficient to determine the role of this variant in disease. Therefore, it has been classified as a Variant of Uncertain Significance.

Ambry Genetics
Classification: Uncertain significance for Hereditary cancer-predisposing syndrome. Last evaluated: 2021-08-06. Review status: criteria provided, single submitter. Criteria: Ambry Variant Classification Scheme 2023. Collection method: clinical testing. Allele origin: germline.
Comment: The p.R485W variant (also known as c.1453C>T), located in coding exon 9 of the MEN1 gene, results from a C to T substitution at nucleotide position 1453. The arginine at codon 485 is replaced by tryptophan, an amino acid with dissimilar properties. This amino acid position is highly conserved in available vertebrate species. In addition, the in silico prediction for this alteration is inconclusive. Since supporting evidence is limited at this time, the clinical significance of this alteration remains unclear.